The following is an entry in ClinVar:

ClinVar aggregate classification (germline): Uncertain significance (1 of 4 stars; one submission).

Allele frequency attached by ClinVar (database versions not stated): ExAC 0.00001; gnomAD exomes 0.00001; TOPMed 0.00001.
gnomAD v4.1: 12 of 1,613,980 alleles (0.00074%); highest among the groups gnomAD compares: African/African-American, 0.0067%; no homozygotes.

Submission:

Labcorp Genetics (formerly Invitae), Labcorp
Classification: Uncertain significance. Last evaluated: 2022-04-09. Review status: criteria provided, single submitter. Criteria: Invitae Variant Classification Sherloc (09022015). Collection method: clinical testing. Allele origin: germline.
Comment: This sequence change replaces arginine, which is basic and polar, with glutamine, which is neutral and polar, at codon 3615 of the FAT4 protein (p.Arg3615Gln). This variant is present in population databases (rs746784092, gnomAD 0.006%). This variant has not been reported in the literature in individuals affected with FAT4-related conditions. Algorithms developed to predict the effect of missense changes on protein structure and function (SIFT, PolyPhen-2, Align-GVGD) all suggest that this variant is likely to be disruptive. In summary, the available evidence is currently insufficient to determine the role of this variant in disease. Therefore, it has been classified as a Variant of Uncertain Significance.

NM_001291303.3(FAT4):c.10850G>A (p.Arg3617Gln)

Gene: FAT4 (FAT atypical cadherin 4; plus strand). Cytogenetic location: 4q28.1.
Variant type: single nucleotide variant.
Coding change: c.10850G>A on transcript NM_001291303.3 (MANE Select); coding-DNA position 10850, G replaced by A.
Protein change: p.Arg3617Gln; replaces arginine 3617 with glutamine.
Molecular consequence: missense variant.
Genome position (GRCh38, 1-based): chr4:125,451,860, G>A. VCF-style: chr4-125451860-G-A. GRCh37 (hg19) VCF-style: chr4-126373015-G-A.
Other names: c.10850G>A, p.Arg3617Gln (NM_001291285.3); c.10844G>A, p.Arg3615Gln (NM_024582.6); short protein forms R3617Q, R3615Q.
Identifiers: ClinVar variation 2099450 (VCV002099450.1), dbSNP rs746784092, ClinGen allele CA3073747.